The following is an entry in ClinVar:

ClinVar aggregate classification (germline): Likely benign (1 of 4 stars; one submission).

Conditions:
Leigh syndrome (NULS). Also called: Leigh's necrotizing encephalopathy; Leigh's disease; Leigh Syndrome (mtDNA deletion); Leigh Disease; Subacute necrotizing encephalopathy; Necrotizing encephalopathy infantile subacute of Leigh. Identifiers: Orphanet 506, MedGen C2931891, MONDO:0009723, OMIM 256000.

Submission:

Wong Mito Lab, Molecular and Human Genetics, Baylor College of Medicine
Classification: Likely benign for Leigh syndrome. Last evaluated: 2019-10-17. Review status: criteria provided, single submitter. Criteria: Modified ACMG Guidelines (Unpublished). Collection method: clinical testing. Allele origin: germline.
Comment: The NC_012920.1:m.8966T>C (YP_003024031.1:p.Ile147Thr) variant in MTATP6 gene is interpretated to be a Likely Benign variant based on the modified ACMG guidelines (unpublished). This variant meets the following evidence codes: BS1, BP4, BP6

NC_012920.1(MT-ATP6):m.8966T>C

Gene: MT-ATP6 (mitochondrially encoded ATP synthase 6; plus strand).
Variant type: single nucleotide variant.
Genome position: chrM-8966-T-C.
Identifiers: ClinVar variation 693038 (VCV000693038.1), dbSNP rs1556423580, ClinGen allele CA414801686.